The following is an entry in ClinVar:

NM_001353812.2(ATP11C):c.235C>T (p.Gln79Ter)

Gene: ATP11C (ATPase phospholipid transporting 11C; minus strand). Cytogenetic location: Xq27.1.
Variant type: single nucleotide variant.
Coding change: c.235C>T on transcript NM_001353812.2 (MANE Select); coding-DNA position 235, C replaced by T.
Protein change: p.Gln79Ter; replaces glutamine 79 with a stop codon.
Molecular consequence: nonsense.
Genome position (GRCh38, 1-based): chrX:139,819,340, G>A on the plus strand (C>T on the coding strand, the complement: ATP11C is on the minus strand). VCF-style: chrX-139819340-G-A. GRCh37 (hg19) VCF-style: chrX-138901499-G-A.
Other names: c.244C>T, p.Gln82Ter (NM_001010986.3, NM_173694.5); c.235C>T, p.Gln79Ter (NM_001353810.2, NM_001353811.2); short protein forms Q82*, Q79*.
Identifiers: ClinVar variation 423658 (VCV000423658.2), dbSNP rs1064796558, ClinGen allele CA16621214.

ClinVar aggregate classification (germline): Uncertain significance (1 of 4 stars; one submission).

Submission:

GeneDx
Classification: Uncertain significance. Last evaluated: 2017-02-28. Review status: criteria provided, single submitter. Criteria: GeneDx Variant Classification (06012015). Collection method: clinical testing. Allele origin: germline. Affected: yes.
Comment: The Q82X variant in the ATP11C gene has not been reported previously as a pathogenic variant, nor as a benign variant, to our knowledge. The Q82X variant is not observed in large population cohorts (Lek et al., 2016; 1000 Genomes Consortium et al., 2015; Exome Variant Server). This variant is predicted to cause loss of normal protein function either through protein truncation or nonsense-mediated mRNA decay. We interpret Q82X as a variant of uncertain significance.